The following is an entry in ClinVar:

ClinVar aggregate classification (germline): Likely benign (0 of 4 stars; one submission).

Conditions:
EPB41L1-related disorder. Also called: EPB41L1-related condition.

Allele frequency attached by ClinVar (database versions not stated): ESP Exome Variant Server 0.00015; gnomAD 0.00015; TOPMed 0.00019.
gnomAD v4.1: 101 of 1,613,442 alleles (0.0063%); highest among the groups gnomAD compares: African/African-American, 0.044%; no homozygotes.

Submission:

PreventionGenetics, part of Exact Sciences
Classification: Likely benign for EPB41L1-related condition. Last evaluated: 2019-06-27. Review status: no assertion criteria provided. Collection method: clinical testing. Allele origin: germline.
Comment: This variant is classified as likely benign based on ACMG/AMP sequence variant interpretation guidelines (Richards et al. 2015 PMID: 25741868, with internal and published modifications).

NM_012156.2(EPB41L1):c.2037G>A (p.Pro679=)

Gene: EPB41L1 (erythrocyte membrane protein band 4.1 like 1; plus strand). Cytogenetic location: 20q11.23.
Variant type: single nucleotide variant.
Coding change: c.2037G>A on transcript NM_012156.2 (MANE Select); coding-DNA position 2037, G replaced by A.
Protein change: p.Pro679=; no amino-acid change (proline 679 retained).
Molecular consequence: synonymous variant. On other transcripts: intron variant (20).
Genome position (GRCh38, 1-based): chr20:36,209,856, G>A. VCF-style: chr20-36209856-G-A. GRCh37 (hg19) VCF-style: chr20-34797778-G-A.
Other names: c.2037G>A, p.Pro679= (NM_001258329.1, NM_001424397.1); c.1815G>A, p.Pro605= (NM_001258331.2, NM_001424390.1, NM_001424393.1 and 4 more transcripts); c.1812G>A, p.Pro604= (NM_001424389.1, NM_001424391.1, NM_001424392.1); c.1998G>A, p.Pro666= (NM_001424395.1, NM_001424398.1, NM_001424399.1); c.2001G>A, p.Pro667= (NM_001424396.1, NM_001424400.1, NM_001424401.1); c.2034G>A, p.Pro678= (NM_001424402.1); c.1540-2416G>A (NM_001258330.1); c.1447-2416G>A (NM_001424405.1, NM_001424404.1, NM_001424403.1 and 4 more transcripts); and 5 more.
Identifiers: ClinVar variation 3043090 (VCV003043090.2), dbSNP rs150389879, ClinGen allele CA9840145.
Genomic context (GRCh38, chr20:36,209,856, plus strand): 5'-GGATCTCAACAAGGGGGCCCCCAGCCAGGATGATGAGTCTGGGGGCATTGAGGACAGCCC[G>A]GATCGAGGGGCCTGCTCCACCCCGGATATGCCCCAGTTTGAGGTACAGTGGAGCTTCCTC-3'
Protein context (NP_036288.2, residues 669-689): DDESGGIEDS[Pro679=]DRGACSTPDM